The following is an entry in ClinVar:

NM_005188.4(CBL):c.1552A>G (p.Thr518Ala)

Gene: CBL (Cbl proto-oncogene; plus strand). Cytogenetic location: 11q23.3.
Variant type: single nucleotide variant.
Coding change: c.1552A>G on transcript NM_005188.4 (MANE Select); coding-DNA position 1552, A replaced by G.
Protein change: p.Thr518Ala; replaces threonine 518 with alanine.
Molecular consequence: missense variant.
Genome position (GRCh38, 1-based): chr11:119,285,089, A>G. VCF-style: chr11-119285089-A-G. GRCh37 (hg19) VCF-style: chr11-119155799-A-G.
Other names: c.1552A>G (NM_005188.2); short protein forms T518A.
Identifiers: ClinVar variation 543965 (VCV000543965.16), dbSNP rs377734587, ClinGen allele CA6318549.

ClinVar aggregate classification (germline): Conflicting classifications of pathogenicity. Review status: criteria provided, conflicting classifications (1 of 4 stars). 3 submissions from 3 submitters: Uncertain significance (2); Likely benign (1). Last evaluated 2025-10-13.

Conditions:
RASopathy. Also called: Noonan spectrum disorder; rasopathies. Identifiers: Orphanet 536391, MedGen C5555857, MONDO:0021060.
CBL-related disorder. Also called: NOONAN SYNDROME-LIKE DISORDER WITHOUT JUVENILE MYELOMONOCYTIC LEUKEMIA; CBL MUTATION-ASSOCIATED SYNDROME; CBL SYNDROME. Identifiers: Orphanet 363972, MedGen C3150803, MONDO:0013308, OMIM 613563.
Cardiovascular phenotype. Identifiers: MedGen CN230736.

Allele frequency attached by ClinVar (database versions not stated): gnomAD exomes below 0.00001 and 0.00001; gnomAD 0.00001 and 0.00002; ExAC 0.00002; TOPMed 0.00002; ESP Exome Variant Server 0.00008; 1000 Genomes Project 30x 0.00016; 1000 Genomes Project 0.00020.
gnomAD v4.1: 7 of 1,613,938 alleles (0.00043%); highest among the groups gnomAD compares: African/African-American, 0.0093%; no homozygotes.

Submissions (3):

Labcorp Genetics (formerly Invitae), Labcorp
Classification: Likely benign for RASopathy. Last evaluated: 2025-10-13. Review status: criteria provided, single submitter. Criteria: Invitae Variant Classification Sherloc (09022015). Collection method: clinical testing. Allele origin: germline.

Ambry Genetics
Classification: Uncertain significance for Cardiovascular phenotype. Last evaluated: 2023-12-25. Review status: criteria provided, single submitter. Criteria: Ambry Variant Classification Scheme 2023. Collection method: clinical testing. Allele origin: germline.
Comment: The p.T518A variant (also known as c.1552A>G), located in coding exon 10 of the CBL gene, results from an A to G substitution at nucleotide position 1552. The threonine at codon 518 is replaced by alanine, an amino acid with similar properties. This amino acid position is conserved. In addition, this alteration is predicted to be tolerated by in silico analysis. Since supporting evidence is limited at this time, the clinical significance of this alteration remains unclear.

St. Jude Molecular Pathology, St. Jude Children's Research Hospital
Classification: Uncertain significance for CBL-related disorder. Last evaluated: 2022-02-03. Review status: criteria provided, single submitter. Criteria: St. Jude Assertion Criteria 2020. Collection method: clinical testing. Allele origin: germline.
Comment: The CBL NM_005188.3 (c.1552A>G; p.Thr518Ala) missense change has a maximum subpopulation frequency of 0.012% in gnomAD v2.1.1. Seven of seven in silico tools predict a benign effect of this variant on protein function (BP4), but to our knowledge these predictions have not been confirmed by functional assays. To our knowledge, this variant has not been reported in individuals with Noonan syndrome-like disorders. In summary, this variant meets criteria to be classified as of uncertain significance based on the ACMG/AMP criteria: BP4